The following is an entry in ClinVar:

ClinVar aggregate classification (germline): Pathogenic (1 of 4 stars; one submission).

Conditions:
Intellectual developmental disorder with gastrointestinal difficulties and high pain threshold (JDVS). Also called: JANSEN-DE VRIES SYNDROME. Identifiers: Orphanet 653767, MedGen C4479517, MONDO:0044318, OMIM 617450.

Submission:

Victorian Clinical Genetics Services, Murdoch Childrens Research Institute
Classification: Pathogenic for Intellectual developmental disorder with gastrointestinal difficulties and high pain threshold. Last evaluated: 2025-03-25. Review status: criteria provided, single submitter. Criteria: ACMG Guidelines, 2015. Collection method: clinical testing. Allele origin: germline. Affected: yes.
Comment: This variant is classified as Pathogenic. Evidence in support of pathogenic classification: Variant is predicted to result in a truncated protein (premature termination codon is NOT located at least 54 nucleotides upstream of the final exon-exon junction) with less than 1/3 of the protein sequence affected; Variant is absent from gnomAD (v2, v3 and v4); Other truncating variant(s) comparable to the one identified in this case have very strong previous evidence for pathogenicity (DECIPHER); Additional information: This variant is heterozygous; This gene is associated with autosomal dominant disease; The mechanism of disease for this gene is not clearly established.

NM_003620.4(PPM1D):c.1280_1281insT (p.Trp427fs)

Gene: PPM1D (protein phosphatase, Mg2+/Mn2+ dependent 1D; plus strand). Cytogenetic location: 17q23.2.
Variant type: Insertion.
Coding change: c.1280_1281insT on transcript NM_003620.4 (MANE Select); coding-DNA positions 1280 to 1281, T inserted.
Protein change: p.Trp427fs; shifts the reading frame from tryptophan 427.
Molecular consequence: frameshift variant.
Genome position: GRCh38 VCF-style: chr17-60663014-G-GT. GRCh37 (hg19) VCF-style: chr17-58740375-G-GT.
Other names: short protein forms W427fs.
Identifiers: ClinVar variation 4531673 (VCV004531673.1).